The following is an entry in ClinVar:

NM_001692.4(ATP6V1B1):c.242_245dup (p.Glu82delinsAspTer)

Gene: ATP6V1B1 (ATPase H+ transporting V1 subunit B1; plus strand). Cytogenetic location: 2p13.3.
Variant type: Duplication.
Coding change: c.242_245dup on transcript NM_001692.4 (MANE Select); coding-DNA positions 242 to 245, 4 bases duplicated (TTGA; older notation c.242_245dupTTGA).
Protein change: p.Glu82delinsAspTer.
Molecular consequence: nonsense.
Genome position (GRCh38, 1-based): chr2:70,958,113-70,958,116, TTGA duplicated. VCF-style (leftmost placement, unchanged base first): chr2-70958112-C-CTTGA. GRCh37 (hg19) VCF-style: chr2-71185242-C-CTTGA.
Other names: c.242_245dup (NM_001692.3).
Identifiers: ClinVar variation 1406127 (VCV001406127.8), dbSNP rs2104825177, ClinGen allele CA2573135876.

ClinVar aggregate classification (germline): Pathogenic/Likely pathogenic. Review status: criteria provided, multiple submitters, no conflicts (2 of 4 stars). 2 submissions from 2 submitters: Pathogenic (1); Likely pathogenic (1). Last evaluated 2025-03-18.

Conditions:
Renal tubular acidosis with progressive nerve deafness. Also called: RENAL TUBULAR ACIDOSIS, AUTOSOMAL RECESSIVE, WITH PROGRESSIVE NERVE DEAFNESS; RTA WITH PROGRESSIVE NERVE DEAFNESS; renal tubular acidosis, distal, 2, with progressive sensorineural hearing loss; Distal Renal Tubular Acidosis with Progressive Sensorineural Deafness. Identifiers: MedGen C0403554, MONDO:0009968, OMIM 267300.

Submissions (2):

Natera, Inc.
Classification: Likely pathogenic for Renal tubular acidosis with progressive nerve deafness. Last evaluated: 2025-03-18. Review status: criteria provided, single submitter. Criteria: Natera Variant Classification Schema (03/2026). Collection method: clinical testing. Allele origin: germline.
Comment: The c.242_245dup variant in ATP6V1B1 is a frameshift variant predicted to shift the reading frame beginning at codon 82 and leads to a stop codon 2 codons downstream. This variant is expected to result in nonsense mediated decay, truncation, or a dysfunctional protein product. This variant is rare in the general population with a frequency below the threshold expected for the associated phenotype(s). Given the available evidence, this variant is classified as Likely Pathogenic.

Labcorp Genetics (formerly Invitae), Labcorp
Classification: Pathogenic. Last evaluated: 2021-06-05. Review status: criteria provided, single submitter. Criteria: Invitae Variant Classification Sherloc (09022015). Collection method: clinical testing. Allele origin: germline.
Comment: This sequence change creates a premature translational stop signal (p.Glu82Aspfs*2) in the ATP6V1B1 gene. It is expected to result in an absent or disrupted protein product. Loss-of-function variants in ATP6V1B1 are known to be pathogenic (PMID: 9916796, 18368028). For these reasons, this variant has been classified as Pathogenic. This variant has not been reported in the literature in individuals with ATP6V1B1-related conditions. This variant is not present in population databases (ExAC no frequency).

Literature cited by the submitters: PubMed 9916796 (cited by Labcorp Genetics (formerly Invitae), Labcorp); PubMed 18368028 (cited by Labcorp Genetics (formerly Invitae), Labcorp).